The following is an entry in ClinVar:

NM_033380.3(COL4A5):c.2604C>T (p.Pro868=)

Gene: COL4A5 (collagen type IV alpha 5 chain; plus strand). Cytogenetic location: Xq22.3.
Variant type: single nucleotide variant.
Coding change: c.2604C>T on transcript NM_033380.3 (MANE Select); coding-DNA position 2604, C replaced by T.
Protein change: p.Pro868=; no amino-acid change (proline 868 retained).
Molecular consequence: synonymous variant.
Genome position (GRCh38, 1-based): chrX:108,620,353, C>T. VCF-style: chrX-108620353-C-T. GRCh37 (hg19) VCF-style: chrX-107863583-C-T.
Other names: c.2604C>T, p.Pro868= (NM_000495.5).
Identifiers: ClinVar variation 930123 (VCV000930123.14), dbSNP rs781337825, ClinGen allele CA334049071.

ClinVar aggregate classification (germline): Likely benign. Review status: criteria provided, multiple submitters, no conflicts (2 of 4 stars). 3 submissions from 3 submitters: Likely benign (2). 1 of the submissions does not count toward it. Last evaluated 2025-12-11.

Conditions:
X-linked Alport syndrome (ATS1). Also called: NEPHROPATHY AND DEAFNESS, X-LINKED; COL4A5-Related Nephropathy. Identifiers: Orphanet 63, Orphanet 88917, MedGen C4746986, MONDO:0010520, OMIM 301050.

Allele frequency attached by ClinVar (database versions not stated): TOPMed 0.00002; gnomAD 0.00003; gnomAD exomes 0.00005.
gnomAD v4.1: 109 of 1,205,983 alleles (0.009%); highest among the groups gnomAD compares: Middle Eastern, 0.024%; no homozygotes.

Submissions (3):

Labcorp Genetics (formerly Invitae), Labcorp
Classification: Likely benign. Last evaluated: 2025-12-11. Review status: criteria provided, single submitter. Criteria: Invitae Variant Classification Sherloc (09022015). Collection method: clinical testing. Allele origin: germline.

Laboratory for Molecular Medicine, Mass General Brigham Personalized Medicine
Classification: Likely benign. Last evaluated: 2019-09-13. Review status: criteria provided, single submitter. Criteria: LMM Criteria. Collection method: clinical testing. Allele origin: germline. Observed: 1 variant allele.
Comment: The p.Pro868Pro variant in COL4A5 is classified as likely benign because it does not alter an amino acid residue, it is not located within the splice consensus sequence, and splice prediction algorithms do not predict a newly created splice site. ACMG/AMP Criteria applied: BP4, BP7.

Natera, Inc.
Classification: Likely benign for X-linked Alport syndrome. Last evaluated: 2020-08-27. Review status: no assertion criteria provided. Collection method: clinical testing. Allele origin: germline. Not counted in ClinVar's aggregate classification.